The following is an entry in ClinVar:

NM_000395.3(CSF2RB):c.1406G>A (p.Arg469Lys)

Gene: CSF2RB (colony stimulating factor 2 receptor subunit beta; plus strand). Cytogenetic location: 22q12.3.
Variant type: single nucleotide variant.
Coding change: c.1406G>A on transcript NM_000395.3 (MANE Select); coding-DNA position 1406, G replaced by A.
Protein change: p.Arg469Lys; replaces arginine 469 with lysine.
Molecular consequence: missense variant.
Genome position (GRCh38, 1-based): chr22:36,935,441, G>A. VCF-style: chr22-36935441-G-A. GRCh37 (hg19) VCF-style: chr22-37331483-G-A.
Other names: short protein forms R469K.
Identifiers: ClinVar variation 1347663 (VCV001347663.6), dbSNP rs371994303, ClinGen allele CA10213818.

ClinVar aggregate classification (germline): Uncertain significance (1 of 4 stars; one submission).

Allele frequency attached by ClinVar (database versions not stated): ExAC 0.00001; gnomAD exomes 0.00002; TOPMed 0.00002; gnomAD 0.00003; ESP Exome Variant Server 0.00008.
gnomAD v4.1: 32 of 1,614,054 alleles (0.002%); highest among the groups gnomAD compares: Non-Finnish European, 0.0025%; no homozygotes.

Submission:

Labcorp Genetics (formerly Invitae), Labcorp
Classification: Uncertain significance. Last evaluated: 2022-11-18. Review status: criteria provided, single submitter. Criteria: Invitae Variant Classification Sherloc (09022015). Collection method: clinical testing. Allele origin: germline.
Comment: In summary, the available evidence is currently insufficient to determine the role of this variant in disease. Therefore, it has been classified as a Variant of Uncertain Significance. Variants that disrupt the consensus splice site are a relatively common cause of aberrant splicing (PMID: 17576681, 9536098). Algorithms developed to predict the effect of sequence changes on RNA splicing suggest that this variant may disrupt the consensus splice site. Algorithms developed to predict the effect of missense changes on protein structure and function are either unavailable or do not agree on the potential impact of this missense change (SIFT: "Tolerated"; PolyPhen-2: "Possibly Damaging"; Align-GVGD: "Class C0"). ClinVar contains an entry for this variant (Variation ID: 1347663). This variant has not been reported in the literature in individuals affected with CSF2RB-related conditions. This variant is present in population databases (rs371994303, gnomAD 0.004%). This sequence change replaces arginine, which is basic and polar, with lysine, which is basic and polar, at codon 469 of the CSF2RB protein (p.Arg469Lys). This variant also falls at the last nucleotide of exon 11, which is part of the consensus splice site for this exon.

Literature cited by the submitters: PubMed 17576681; PubMed 9536098.